The following is an entry in ClinVar:

ClinVar aggregate classification (germline): Uncertain significance (1 of 4 stars; one submission).

Conditions:
Arrhythmogenic right ventricular dysplasia 13. Also called: ARRHYTHMOGENIC RIGHT VENTRICULAR CARDIOMYOPATHY 13; Arrhythmogenic right ventricular dysplasia, familial, 13. Identifiers: MedGen C3810138, MONDO:0000908, OMIM 615616.

Submission:

Labcorp Genetics (formerly Invitae), Labcorp
Classification: Uncertain significance for Arrhythmogenic right ventricular dysplasia 13. Last evaluated: 2026-01-13. Review status: criteria provided, single submitter. Criteria: Invitae Variant Classification Sherloc (09022015). Collection method: clinical testing. Allele origin: germline.
Comment: This sequence change replaces valine, which is neutral and non-polar, with leucine, which is neutral and non-polar, at codon 677 of the CTNNA3 protein (p.Val677Leu). This variant is not present in population databases (gnomAD no frequency). This variant has not been reported in the literature in individuals affected with CTNNA3-related conditions. Invitae Evidence Modeling of protein sequence and biophysical properties (such as structural, functional, and spatial information, amino acid conservation, physicochemical variation, residue mobility, and thermodynamic stability) indicates that this missense variant is not expected to disrupt CTNNA3 protein function with a negative predictive value of 80%. In summary, the available evidence is currently insufficient to determine the role of this variant in disease. Therefore, it has been classified as a Variant of Uncertain Significance.

NM_013266.4(CTNNA3):c.2029G>C (p.Val677Leu)

Gene: CTNNA3 (catenin alpha 3; minus strand). Cytogenetic location: 10q21.3.
Variant type: single nucleotide variant.
Coding change: c.2029G>C on transcript NM_013266.4 (MANE Select); coding-DNA position 2029, G replaced by C.
Protein change: p.Val677Leu; replaces valine 677 with leucine.
Molecular consequence: missense variant.
Genome position (GRCh38, 1-based): chr10:66,069,438, C>G on the plus strand (G>C on the coding strand, the complement: CTNNA3 is on the minus strand). VCF-style: chr10-66069438-C-G. GRCh37 (hg19) VCF-style: chr10-67829196-C-G.
Other names: c.2029G>C, p.Val677Leu (NM_001127384.3); short protein forms V677L.
Identifiers: ClinVar variation 4750896 (VCV004750896.1).